The following is an entry in ClinVar:

ClinVar aggregate classification (germline): Uncertain significance (1 of 4 stars; one submission).

gnomAD v4.1: 44 of 1,614,042 alleles (0.0027%); highest among the groups gnomAD compares: Non-Finnish European, 0.0031%; no homozygotes.

Submission:

Labcorp Genetics (formerly Invitae), Labcorp
Classification: Uncertain significance. Last evaluated: 2025-11-17. Review status: criteria provided, single submitter. Criteria: Invitae Variant Classification Sherloc (09022015). Collection method: clinical testing. Allele origin: germline.
Comment: This sequence change replaces tyrosine, which is neutral and polar, with cysteine, which is neutral and slightly polar, at codon 564 of the TRPV6 protein (p.Tyr564Cys). This variant is present in population databases (rs759092198, gnomAD 0.005%). This variant has not been reported in the literature in individuals affected with TRPV6-related conditions. ClinVar contains an entry for this variant (Variation ID: 3609843). Experimental studies and prediction algorithms are not available or were not evaluated, and the functional significance of this variant is currently unknown. In summary, the available evidence is currently insufficient to determine the role of this variant in disease. Therefore, it has been classified as a Variant of Uncertain Significance.

NM_018646.6(TRPV6):c.1691A>G (p.Tyr564Cys)

Gene: TRPV6 (transient receptor potential cation channel subfamily V member 6; minus strand). Cytogenetic location: 7q34.
Variant type: single nucleotide variant.
Coding change: c.1691A>G on transcript NM_018646.6 (MANE Select); coding-DNA position 1691, A replaced by G.
Protein change: p.Tyr564Cys; replaces tyrosine 564 with cysteine.
Molecular consequence: missense variant.
Genome position (GRCh38, 1-based): chr7:142,873,665, T>C on the plus strand (A>G on the coding strand, the complement: TRPV6 is on the minus strand). VCF-style: chr7-142873665-T-C. GRCh37 (hg19) VCF-style: chr7-142571418-T-C.
Other names: short protein forms Y564C.
Identifiers: ClinVar variation 3609843 (VCV003609843.2).
Genomic context (GRCh38, chr7:142,873,665, plus strand): 5'-GGGCCATCGATGATGGTAAGGAACAGCTCGAAGGTGCTGAACAGGGCCATGGGGTAGTCG[T>C]AGAAGTGGCCTAGCTCCTCGGGGTCCTCTGTCTGGAAGATGATATAGAAGGCTGCTCCAC-3'
Protein context (NP_061116.5, residues 554-574): TEDPEELGHF[Tyr564Cys]DYPMALFSTF